The following is an entry in ClinVar:

NM_001277115.2(DNAH11):c.12785T>C (p.Leu4262Pro)

Gene: DNAH11 (dynein axonemal heavy chain 11; plus strand). Cytogenetic location: 7p15.3.
Variant type: single nucleotide variant.
Coding change: c.12785T>C on transcript NM_001277115.2 (MANE Select); coding-DNA position 12785, T replaced by C.
Protein change: p.Leu4262Pro; replaces leucine 4262 with proline.
Molecular consequence: missense variant.
Genome position (GRCh38, 1-based): chr7:21,894,657, T>C. VCF-style: chr7-21894657-T-C. GRCh37 (hg19) VCF-style: chr7-21934275-T-C.
Other names: c.12806T>C, p.Leu4269Pro (NM_003777.3); short protein forms L4269P, L4262P.
Identifiers: ClinVar variation 2140301 (VCV002140301.5), dbSNP rs751754128, ClinGen allele CA4183185.

ClinVar aggregate classification (germline): Conflicting classifications of pathogenicity. Review status: criteria provided, conflicting classifications (1 of 4 stars). 2 submissions from 2 submitters: Uncertain significance (1); Likely benign (1). Last evaluated 2025-12-19.

Conditions:
Primary ciliary dyskinesia. Also called: Ciliary dyskinesia. Identifiers: Orphanet 244, MedGen C0008780, MONDO:0016575, HP:0012265.

Allele frequency attached by ClinVar (database versions not stated): TOPMed below 0.00001; gnomAD 0.00001; gnomAD exomes 0.00001; ExAC 0.00002.
gnomAD v4.1: 13 of 1,613,878 alleles (0.00081%); highest among the groups gnomAD compares: Non-Finnish European, 0.001%; no homozygotes.

Submissions (2):

Clinical Genetics Laboratory, Skane University Hospital Lund
Classification: Uncertain significance for Primary ciliary dyskinesia. Last evaluated: 2025-12-19. Review status: criteria provided, single submitter. Criteria: ACMG Guidelines, 2015. Collection method: clinical testing. Allele origin: germline. Affected: yes.
Comment: ACMG criteria used: PM2

Labcorp Genetics (formerly Invitae), Labcorp
Classification: Likely benign for Primary ciliary dyskinesia. Last evaluated: 2024-01-09. Review status: criteria provided, single submitter. Criteria: Invitae Variant Classification Sherloc (09022015). Collection method: clinical testing. Allele origin: germline.